The following is an entry in ClinVar:

NM_001004137.1(OR52M1):c.41del (p.Phe14fs)

Gene: OR52M1 (olfactory receptor family 52 subfamily M member 1; plus strand). Cytogenetic location: 11p15.4.
Variant type: Deletion.
Coding change: c.41del on transcript NM_001004137.1 (MANE Select); coding-DNA position 41, one base deleted (T; older notation c.41delT).
Protein change: p.Phe14fs; shifts the reading frame from phenylalanine 14.
Molecular consequence: frameshift variant.
Genome position (GRCh38, 1-based): chr11:4,545,231, T deleted; the last of 2 consecutive T bases (chr11:4,545,230-4,545,231); deleting either gives the same sequence. VCF-style (leftmost placement, unchanged base first): chr11-4545229-CT-C. GRCh37 (hg19) VCF-style: chr11-4566459-CT-C.
Other names: c.41delT (NM_001004137.1); short protein forms F14fs.
Identifiers: ClinVar variation 3055530 (VCV003055530.2), dbSNP rs77893620, ClinGen allele CA5832560.

ClinVar aggregate classification (germline): Benign (0 of 4 stars; one submission).

Conditions:
OR52M1-related disorder. Also called: OR52M1-related condition.

Submission:

PreventionGenetics, part of Exact Sciences
Classification: Benign for OR52M1-related condition. Last evaluated: 2020-06-10. Review status: no assertion criteria provided. Collection method: clinical testing. Allele origin: germline.
Comment: This variant is classified as benign based on ACMG/AMP sequence variant interpretation guidelines (Richards et al. 2015 PMID: 25741868, with internal and published modifications).